The following is an entry in ClinVar:

ClinVar aggregate classification (germline): Uncertain significance. Review status: criteria provided, multiple submitters, no conflicts (2 of 4 stars). 2 submissions from 2 submitters: Uncertain significance (2). Last evaluated 2024-06-28.

Conditions:
Inborn genetic diseases. Identifiers: MedGen C0950123, MeSH D030342.

Allele frequency attached by ClinVar (database versions not stated): gnomAD exomes below 0.00001; ExAC 0.00001.
gnomAD v4.1: 6 of 1,579,792 alleles (0.00038%); highest among the groups gnomAD compares: South Asian, 0.0047%; no homozygotes.

Submissions (2):

Ambry Genetics
Classification: Uncertain significance for Inborn genetic diseases. Last evaluated: 2024-06-28. Review status: criteria provided, single submitter. Criteria: Ambry Variant Classification Scheme 2023. Collection method: clinical testing. Allele origin: germline.

Labcorp Genetics (formerly Invitae), Labcorp
Classification: Uncertain significance. Last evaluated: 2023-06-26. Review status: criteria provided, single submitter. Criteria: Invitae Variant Classification Sherloc (09022015). Collection method: clinical testing. Allele origin: germline.
Comment: This sequence change replaces tyrosine, which is neutral and polar, with cysteine, which is neutral and slightly polar, at codon 123 of the ANXA11 protein (p.Tyr123Cys). This variant is present in population databases (rs760158626, gnomAD 0.008%). This variant has not been reported in the literature in individuals affected with ANXA11-related conditions. Experimental studies and prediction algorithms are not available or were not evaluated, and the functional significance of this variant is currently unknown. In summary, the available evidence is currently insufficient to determine the role of this variant in disease. Therefore, it has been classified as a Variant of Uncertain Significance.

NM_145868.2(ANXA11):c.368A>G (p.Tyr123Cys)

Gene: ANXA11 (annexin A11; minus strand). Cytogenetic location: 10q22.3.
Variant type: single nucleotide variant.
Coding change: c.368A>G on transcript NM_145868.2 (MANE Select); coding-DNA position 368, A replaced by G.
Protein change: p.Tyr123Cys; replaces tyrosine 123 with cysteine.
Molecular consequence: missense variant.
Genome position (GRCh38, 1-based): chr10:80,169,162, T>C on the plus strand (A>G on the coding strand, the complement: ANXA11 is on the minus strand). VCF-style: chr10-80169162-T-C. GRCh37 (hg19) VCF-style: chr10-81928918-T-C.
Other names: c.368A>G (NM_001157.2); c.368A>G, p.Tyr123Cys (NM_001157.3, NM_001278407.2, NM_001278408.2 and 1 more transcripts); c.269A>G, p.Tyr90Cys (NM_001278409.2); short protein forms Y90C, Y123C.
Identifiers: ClinVar variation 2777044 (VCV002777044.4), dbSNP rs760158626, ClinGen allele CA5576302.